The following is an entry in ClinVar:

ClinVar aggregate classification (germline): Conflicting classifications of pathogenicity. Review status: criteria provided, conflicting classifications (1 of 4 stars). 5 submissions from 5 submitters: Uncertain significance (2); Likely benign (3). Last evaluated 2026-01-22.

Allele frequency attached by ClinVar (database versions not stated): 1000 Genomes Project 30x 0.00016; TOPMed 0.00018.
gnomAD v4.1: 147 of 1,612,680 alleles (0.0091%); highest among the groups gnomAD compares: Middle Eastern, 0.1%; 2 homozygotes.

Submissions (5):

Labcorp Genetics (formerly Invitae), Labcorp
Classification: Likely benign. Last evaluated: 2026-01-22. Review status: criteria provided, single submitter. Criteria: Invitae Variant Classification Sherloc (09022015). Collection method: clinical testing. Allele origin: germline.

GeneDx
Classification: Uncertain significance. Last evaluated: 2025-11-13. Review status: criteria provided, single submitter. Criteria: GeneDx Variant Classification Process June 2021. Collection method: clinical testing. Allele origin: germline.
Comment: In silico analysis suggests that this missense variant does not alter protein structure/function; Has not been previously published as pathogenic or benign to our knowledge

CeGaT Center for Human Genetics Tuebingen
Classification: Likely benign. Last evaluated: 2025-06-01. Review status: criteria provided, single submitter. Criteria: CeGaT Center For Human Genetics Tuebingen Variant Classification Criteria Version 2. Collection method: clinical testing. Allele origin: germline. Affected: yes. Observed: 1 variant allele.
Comment: WHRN: BP4, BS2

Blueprint Genetics
Classification: Likely benign. Last evaluated: 2024-11-26. Review status: criteria provided, single submitter. Criteria: ACMG Guidelines, 2015. Collection method: clinical testing. Allele origin: germline.

Laboratory for Molecular Medicine, Mass General Brigham Personalized Medicine
Classification: Uncertain significance. Last evaluated: 2018-01-09. Review status: criteria provided, single submitter. Criteria: LMM Criteria. Collection method: clinical testing. Allele origin: germline. Observed: 1 variant allele.
Comment: Variant classified as Uncertain Significance - Favor Benign. The p.Ala376Ser var iant in WHRN has not been previously reported in individuals with hearing loss, but has been identified in 0.09% (28/30778) of South Asian chromosomes including 1 homozygote by the Genome Aggregation Database (gnomAD; dbSNP rs545251395). Computational prediction tools and conservation analysis suggest that the p.Ala376Ser variant may not impact the protein, though this information is not predictive enough to rule out pathogenicity. In summary , while the clinical significance of the p.Ala376Ser variant is uncertain, avail able data suggest that this variant is more likely to be benign. ACMG/AMP criter ia applied: BP4

NM_015404.4(WHRN):c.1126G>T (p.Ala376Ser)

Gene: WHRN (whirlin; minus strand). Cytogenetic location: 9q32.
Variant type: single nucleotide variant.
Coding change: c.1126G>T on transcript NM_015404.4 (MANE Select); coding-DNA position 1126, G replaced by T.
Protein change: p.Ala376Ser; replaces alanine 376 with serine.
Molecular consequence: missense variant. On other transcripts: 5 prime UTR variant (1).
Genome position (GRCh38, 1-based): chr9:114,426,251, C>A on the plus strand (G>T on the coding strand, the complement: WHRN is on the minus strand). VCF-style: chr9-114426251-C-A. GRCh37 (hg19) VCF-style: chr9-117188531-C-A.
Other names: c.1126G>T (NM_015404.2); c.-24G>T (NM_001083885.3); c.1126G>T, p.Ala376Ser (NM_001173425.2); short protein forms A376S.
Identifiers: ClinVar variation 506241 (VCV000506241.29), dbSNP rs545251395, ClinGen allele CA5206075.